The following is an entry in ClinVar:

NM_001195263.2(PDZD7):c.1452_1454dup (p.Arg486dup)

Gene: PDZD7 (PDZ domain containing 7; minus strand). Cytogenetic location: 10q24.31.
Variant type: Duplication.
Coding change: c.1452_1454dup on transcript NM_001195263.2 (MANE Select); coding-DNA positions 1452 to 1454, 3 bases duplicated (GCG; older notation c.1452_1454dupGCG).
Protein change: p.Arg486dup; duplicates arginine 486.
Molecular consequence: inframe insertion.
Genome position (GRCh38, 1-based): chr10:101,018,167-101,018,169, CGC duplicated on the plus strand (GCG on the coding strand, the reverse complement: PDZD7 is on the minus strand); duplicating any 3 consecutive bases within chr10:101,018,167-101,018,170 gives the same sequence; the c. name uses the placement nearest the transcript's 3' end. VCF-style (leftmost placement, unchanged base first): chr10-101018166-G-GCGC. GRCh37 (hg19) VCF-style: chr10-102777923-G-GCGC.
Other names: c.1480_1482dup, p.Ala494dup (NM_001351044.2); c.1452_1454dup, p.Arg486dup (NM_024895.5).
Identifiers: ClinVar variation 1473261 (VCV001473261.6), dbSNP rs770637109, ClinGen allele CA5654085.
Genomic context (GRCh38, chr10:101,018,166, plus strand): 5'-TATGTCCAGGCGAGGGTAAGTTTTGGCCAGGCTCCCGCTGTCCAGTGTCCAGGCCTCTCT[G>GCGC]CGCCCGTCCCGCGCTAGCCTCCCCTGCCGCCCTCCCTTGAAGAAGAGGTTCATCAGCGTC-3'

ClinVar aggregate classification (germline): Uncertain significance (1 of 4 stars; one submission).

Submission:

Labcorp Genetics (formerly Invitae), Labcorp
Classification: Uncertain significance. Last evaluated: 2025-09-02. Review status: criteria provided, single submitter. Criteria: Invitae Variant Classification Sherloc (09022015). Collection method: clinical testing. Allele origin: germline.
Comment: This variant, c.1452_1454dup, results in the insertion of 1 amino acid(s) of the PDZD7 protein (p.Arg486dup), but otherwise preserves the integrity of the reading frame. This variant is present in population databases (rs770637109, gnomAD 0.05%). This variant has not been reported in the literature in individuals affected with PDZD7-related conditions. ClinVar contains an entry for this variant (Variation ID: 1473261). Experimental studies and prediction algorithms are not available or were not evaluated, and the functional significance of this variant is currently unknown. In summary, the available evidence is currently insufficient to determine the role of this variant in disease. Therefore, it has been classified as a Variant of Uncertain Significance.